The following is an entry in ClinVar:

ClinVar aggregate classification (germline): Uncertain significance (1 of 4 stars; one submission).

Conditions:
Arginase deficiency. Also called: ARGININEMIA; ARG1 DEFICIENCY; Arginase 1 Deficiency. Identifiers: Orphanet 90, MedGen C0268548, MONDO:0008814, OMIM 207800.

Submission:

Labcorp Genetics (formerly Invitae), Labcorp
Classification: Uncertain significance for Arginase deficiency. Last evaluated: 2021-09-01. Review status: criteria provided, single submitter. Criteria: Invitae Variant Classification Sherloc (09022015). Collection method: clinical testing. Allele origin: germline.
Comment: This sequence change replaces proline with leucine at codon 20 of the ARG1 protein (p.Pro20Leu). The proline residue is moderately conserved and there is a moderate physicochemical difference between proline and leucine. This variant is not present in population databases (ExAC no frequency). This variant has not been reported in the literature in individuals affected with ARG1-related conditions. Algorithms developed to predict the effect of missense changes on protein structure and function are either unavailable or do not agree on the potential impact of this missense change (SIFT: "Tolerated"; PolyPhen-2: "Possibly Damaging"; Align-GVGD: "Class C0"). In summary, the available evidence is currently insufficient to determine the role of this variant in disease. Therefore, it has been classified as a Variant of Uncertain Significance.

NM_000045.4(ARG1):c.59C>T (p.Pro20Leu)

Genes: MED23 (mediator complex subunit 23; minus strand), ARG1 (arginase 1; plus strand). Cytogenetic location: 6q23.2.
Variant type: single nucleotide variant.
Coding change: c.59C>T on transcript NM_000045.4 (MANE Select); coding-DNA position 59, C replaced by T.
Protein change: p.Pro20Leu; replaces proline 20 with leucine.
Molecular consequence: missense variant. On other transcripts: intron variant (2).
Genome position (GRCh38, 1-based): chr6:131,576,664, C>T. VCF-style: chr6-131576664-C-T. GRCh37 (hg19) VCF-style: chr6-131897804-C-T.
Other names: c.59C>T, p.Pro20Leu (NM_001244438.2, NM_001369020.1); c.4078-2369G>A (NM_001270521.2); c.4096-2369G>A (NM_015979.4); short protein forms P20L.
Identifiers: ClinVar variation 1017390 (VCV001017390.7), dbSNP rs766662245, ClinGen allele CA365649656.
Genomic context (GRCh38, chr6:131,576,664, plus strand): 5'-GCTGTGAGCATCTGATGGTCATGATAATGTCTGAAGTACTTTATTTTTTAATTGTTCAGC[C>T]ACGAGGAGGGGTGGAAGAAGGCCCTACAGTATTGAGAAAGGCTGGTCTGCTTGAGAAACT-3'
Protein context (NP_000036.2, residues 10-30): IIGAPFSKGQ[Pro20Leu]RGGVEEGPTV